The following is an entry in ClinVar:

NM_014714.4(IFT140):c.2068-3C>G

Gene: IFT140 (intraflagellar transport 140; minus strand). Cytogenetic location: 16p13.3.
Variant type: single nucleotide variant.
Coding change: c.2068-3C>G on transcript NM_014714.4 (MANE Select); 3 bases into the intron before coding-DNA position 2068, C replaced by G.
Molecular consequence: intron variant.
Genome position (GRCh38, 1-based): chr16:1,562,119, G>C on the plus strand (C>G on the coding strand, the complement: IFT140 is on the minus strand). VCF-style: chr16-1562119-G-C. GRCh37 (hg19) VCF-style: chr16-1612120-G-C.
Identifiers: ClinVar variation 1041141 (VCV001041141.6), dbSNP rs2033444839, ClinGen allele CA2201729226.

ClinVar aggregate classification (germline): Uncertain significance (1 of 4 stars; one submission).

Conditions:
Saldino-Mainzer syndrome (SRTD9). Also called: CONORENAL SYNDROME; Renal dysplasia, retinal pigmentary dystrophy, cerebellar ataxia and skeletal dysplasia; short-rib thoracic dysplasia 9 with or without polydactyly; SHORT-RIB THORACIC DYSPLASIA 9 WITHOUT POLYDACTYLY. Identifiers: Orphanet 140969, MedGen C1849437, MONDO:0009964, OMIM 266920.

Allele frequency attached by ClinVar (database versions not stated): TOPMed below 0.00001.

Submission:

Labcorp Genetics (formerly Invitae), Labcorp
Classification: Uncertain significance for Saldino-Mainzer syndrome. Last evaluated: 2022-10-25. Review status: criteria provided, single submitter. Criteria: Invitae Variant Classification Sherloc (09022015). Collection method: clinical testing. Allele origin: germline.
Comment: This variant is not present in population databases (gnomAD no frequency). This sequence change falls in intron 17 of the IFT140 gene. It does not directly change the encoded amino acid sequence of the IFT140 protein. It affects a nucleotide within the consensus splice site. In summary, the available evidence is currently insufficient to determine the role of this variant in disease. Therefore, it has been classified as a Variant of Uncertain Significance. Variants that disrupt the consensus splice site are a relatively common cause of aberrant splicing (PMID: 17576681, 9536098). Algorithms developed to predict the effect of sequence changes on RNA splicing suggest that this variant may disrupt the consensus splice site. ClinVar contains an entry for this variant (Variation ID: 1041141). This variant has not been reported in the literature in individuals affected with IFT140-related conditions.

Literature cited by the submitters: PubMed 17576681; PubMed 9536098.